The following is an entry in ClinVar:

NM_001297.5(CNGB1):c.2219T>C (p.Met740Thr)

Gene: CNGB1 (cyclic nucleotide gated channel subunit beta 1; minus strand). Cytogenetic location: 16q21.
Variant type: single nucleotide variant.
Coding change: c.2219T>C on transcript NM_001297.5 (MANE Select); coding-DNA position 2219, T replaced by C.
Protein change: p.Met740Thr; replaces methionine 740 with threonine.
Molecular consequence: missense variant.
Genome position (GRCh38, 1-based): chr16:57,915,334, A>G on the plus strand (T>C on the coding strand, the complement: CNGB1 is on the minus strand). VCF-style: chr16-57915334-A-G. GRCh37 (hg19) VCF-style: chr16-57949238-A-G.
Other names: c.2201T>C, p.Met734Thr (NM_001286130.2); short protein forms M734T, M740T.
Identifiers: ClinVar variation 1373037 (VCV001373037.6), dbSNP rs781541993, ClinGen allele CA8083091.

ClinVar aggregate classification (germline): Uncertain significance. Review status: criteria provided, multiple submitters, no conflicts (2 of 4 stars). 2 submissions from 2 submitters: Uncertain significance (2). Last evaluated 2024-07-08.

Allele frequency attached by ClinVar (database versions not stated): ExAC 0.00002; gnomAD 0.00003 and 0.00004; gnomAD exomes 0.00003 and 0.00009; TOPMed 0.00003.
gnomAD v4.1: 136 of 1,613,514 alleles (0.0084%); highest among the groups gnomAD compares: Middle Eastern, 0.016%; no homozygotes.

Submissions (2):

Blueprint Genetics
Classification: Uncertain significance. Last evaluated: 2024-07-08. Review status: criteria provided, single submitter. Criteria: ACMG Guidelines, 2015. Collection method: clinical testing. Allele origin: germline.

Labcorp Genetics (formerly Invitae), Labcorp
Classification: Uncertain significance. Last evaluated: 2022-03-19. Review status: criteria provided, single submitter. Criteria: Invitae Variant Classification Sherloc (09022015). Collection method: clinical testing. Allele origin: germline.
Comment: This sequence change replaces methionine, which is neutral and non-polar, with threonine, which is neutral and polar, at codon 740 of the CNGB1 protein (p.Met740Thr). This variant is present in population databases (rs781541993, gnomAD 0.006%). This variant has not been reported in the literature in individuals affected with CNGB1-related conditions. Algorithms developed to predict the effect of missense changes on protein structure and function (SIFT, PolyPhen-2, Align-GVGD) all suggest that this variant is likely to be tolerated. Algorithms developed to predict the effect of sequence changes on RNA splicing suggest that this variant may disrupt the consensus splice site. In summary, the available evidence is currently insufficient to determine the role of this variant in disease. Therefore, it has been classified as a Variant of Uncertain Significance.